The following is an entry in ClinVar:

NM_001256715.2(DNAAF3):c.1354G>C (p.Ala452Pro)

Genes: DNAAF3 (dynein axonemal assembly factor 3; minus strand), DNAAF3-AS1 (DNAAF3 antisense RNA 1; plus strand). Cytogenetic location: 19q13.42.
Variant type: single nucleotide variant.
Coding change: c.1354G>C on transcript NM_001256715.2 (MANE Select); coding-DNA position 1354, G replaced by C.
Protein change: p.Ala452Pro; replaces alanine 452 with proline.
Molecular consequence: missense variant.
Genome position (GRCh38, 1-based): chr19:55,159,334, C>G on the plus strand (G>C on the coding strand, the complement: DNAAF3 is on the minus strand). VCF-style: chr19-55159334-C-G. GRCh37 (hg19) VCF-style: chr19-55670702-C-G.
Other names: c.1555G>C, p.Ala519Pro (NM_001256714.1); c.1192G>C, p.Ala398Pro (NM_001256716.2); c.1495G>C, p.Ala499Pro (NM_178837.4); short protein forms A398P, A452P, A499P, A519P.
Identifiers: ClinVar variation 1810144 (VCV001810144.1), dbSNP rs546293010, ClinGen allele CA310152175.
Genomic context (GRCh38, chr19:55,159,334, plus strand): 5'-CGGGTTCCACAGCTGGGACAGTGTTGCCCAGAGCTGATTCCTGGGACTTGCAGAAACGTG[C>G]GAAGGTCTCTGAAGGCCTGGCCCCGGTCTGTGGAGCAAATCCAGCTGCCTGAGCTAGCTC-3'
Protein context (NP_001243644.1, residues 442-462): QTGARPSETF[Ala452Pro]RFCKSQESAL

ClinVar aggregate classification (germline): Uncertain significance (1 of 4 stars; one submission).

gnomAD v4.1: 11 of 1,614,030 alleles (0.00068%); highest among the groups gnomAD compares: South Asian, 0.0011%; no homozygotes.

Submission:

GeneDx
Classification: Uncertain significance. Last evaluated: 2022-06-28. Review status: criteria provided, single submitter. Criteria: GeneDx Variant Classification Process June 2021. Collection method: clinical testing. Allele origin: germline. Affected: yes.
Comment: Reported in association with Primary Ciliary Dyskinesia (PCD), including one apparently homozygous observation in an individual with a clinical diagnosis of PCD who had normal ciliary electron microscopy (Marshall et al., 2015; Olm et al., 2019); Not observed at significant frequency in large population cohorts (gnomAD); In silico analysis supports that this missense variant has a deleterious effect on protein structure/function; This variant is associated with the following publications: (PMID: 31213628, 26139845)